The following is an entry in ClinVar:

ClinVar aggregate classification (germline): Uncertain significance (1 of 4 stars; one submission).

Allele frequency attached by ClinVar (database versions not stated): ExAC 0.00001; gnomAD exomes 0.00001; gnomAD 0.00003 and 0.00004; TOPMed 0.00004; ESP Exome Variant Server 0.00008.
gnomAD v4.1: 6 of 1,612,630 alleles (0.00037%); highest among the groups gnomAD compares: African/African-American, 0.0067%; no homozygotes.

Submission:

Labcorp Genetics (formerly Invitae), Labcorp
Classification: Uncertain significance. Last evaluated: 2025-03-04. Review status: criteria provided, single submitter. Criteria: Invitae Variant Classification Sherloc (09022015). Collection method: clinical testing. Allele origin: germline.
Comment: This sequence change replaces proline, which is neutral and non-polar, with alanine, which is neutral and non-polar, at codon 1582 of the TOP2B protein (p.Pro1582Ala). This variant is present in population databases (rs371211985, gnomAD 0.01%). This variant has not been reported in the literature in individuals affected with TOP2B-related conditions. ClinVar contains an entry for this variant (Variation ID: 1496715). An algorithm developed to predict the effect of missense changes on protein structure and function (PolyPhen-2) suggests that this variant is likely to be tolerated. In summary, the available evidence is currently insufficient to determine the role of this variant in disease. Therefore, it has been classified as a Variant of Uncertain Significance.

NM_001330700.2(TOP2B):c.4759C>G (p.Pro1587Ala)

Gene: TOP2B (DNA topoisomerase II beta; minus strand). Cytogenetic location: 3p24.2.
Variant type: single nucleotide variant.
Coding change: c.4759C>G on transcript NM_001330700.2 (MANE Select); coding-DNA position 4759, C replaced by G.
Protein change: p.Pro1587Ala; replaces proline 1587 with alanine.
Molecular consequence: missense variant.
Genome position (GRCh38, 1-based): chr3:25,598,429, G>C on the plus strand (C>G on the coding strand, the complement: TOP2B is on the minus strand). VCF-style: chr3-25598429-G-C. GRCh37 (hg19) VCF-style: chr3-25639920-G-C.
Other names: c.4744C>G, p.Pro1582Ala (NM_001068.3); short protein forms P1587A, P1582A.
Identifiers: ClinVar variation 1496715 (VCV001496715.8), dbSNP rs371211985, ClinGen allele CA2287975.